The following is an entry in ClinVar:

ClinVar aggregate classification (germline): Conflicting classifications of pathogenicity. Review status: criteria provided, conflicting classifications (1 of 4 stars). 3 submissions from 3 submitters: Uncertain significance (1); Likely benign (2). Last evaluated 2025-10-03.

Conditions:
TMPRSS6-related disorder. Also called: TMPRSS6-related condition.
Microcytic anemia. Identifiers: MedGen C5194182, MONDO:0001245, HP:0001935. Disease mechanism: loss of function.

Allele frequency attached by ClinVar (database versions not stated): 1000 Genomes Project 30x 0.00062; 1000 Genomes Project 0.00080; ESP Exome Variant Server 0.00101; gnomAD exomes 0.00107 and 0.00160; TOPMed 0.00109; gnomAD 0.00113 and 0.00114; ExAC 0.00163.
gnomAD v4.1: 2,439 of 1,580,844 alleles (0.15%); highest among the groups gnomAD compares: Non-Finnish European, 0.19%; 5 homozygotes.

Submissions (3):

PreventionGenetics, part of Exact Sciences
Classification: Likely benign for TMPRSS6-related condition. Last evaluated: 2025-10-03. Review status: criteria provided, single submitter. Criteria: ACMG Guidelines, 2015. Collection method: clinical testing. Allele origin: germline.
Comment: This variant is classified as likely benign based on ACMG/AMP sequence variant interpretation guidelines (Richards et al. 2015 PMID: 25741868, with internal and published modifications).

Labcorp Genetics (formerly Invitae), Labcorp
Classification: Likely benign. Last evaluated: 2025-10-01. Review status: criteria provided, single submitter. Criteria: Invitae Variant Classification Sherloc (09022015). Collection method: clinical testing. Allele origin: germline.

Illumina Laboratory Services, Illumina
Classification: Uncertain significance for Iron-refractory iron deficiency anemia. Last evaluated: 2018-01-13. Review status: criteria provided, single submitter. Criteria: ICSL Variant Classification Criteria 13 December 2019. Collection method: clinical testing. Allele origin: germline.

NM_001374504.1(TMPRSS6):c.838G>T (p.Val280Leu)

Gene: TMPRSS6 (transmembrane serine protease 6; minus strand). Cytogenetic location: 22q12.3.
Variant type: single nucleotide variant.
Coding change: c.838G>T on transcript NM_001374504.1 (MANE Select); coding-DNA position 838, G replaced by T.
Protein change: p.Val280Leu; replaces valine 280 with leucine.
Molecular consequence: missense variant.
Genome position (GRCh38, 1-based): chr22:37,086,418, C>A on the plus strand (G>T on the coding strand, the complement: TMPRSS6 is on the minus strand). VCF-style: chr22-37086418-C-A. GRCh37 (hg19) VCF-style: chr22-37482458-C-A.
Other names: c.838G>T, p.Val280Leu (NM_001289000.2, NM_001289001.2, NM_153609.4); c.865G>T (NM_153609.3); short protein forms V280L.
Identifiers: ClinVar variation 341594 (VCV000341594.9), dbSNP rs201148397, ClinGen allele CA10215872.
Genomic context (GRCh38, chr22:37,086,418, plus strand): 5'-CCATGATGGCCCCCGACGCCAGAACCTCCACCACGGGCTCCTGGCGGCTGCAGCCGTACA[C>A]CCTGGCAGAACAGAAAGGTGGCAAGGCTGGGCTGGGGTCTGGGAGGGGAGTGGCAGGGAG-3'
Protein context (NP_001361433.1, residues 270-290): GPLEKRLITS[Val280Leu]YGCSRQEPVV